The following is an entry in ClinVar:

ClinVar aggregate classification (germline): Uncertain significance. Review status: criteria provided, multiple submitters, no conflicts (2 of 4 stars). 3 submissions from 3 submitters: Uncertain significance (3). Last evaluated 2025-08-25.

Conditions:
Ataxia - intellectual disability - oculomotor apraxia - cerebellar cysts syndrome. Also called: Poretti-Boltshauser syndrome. Identifiers: Orphanet 370022, MedGen C4014821, MONDO:0014419, OMIM 615960.

Allele frequency attached by ClinVar (database versions not stated): gnomAD 0.00001 and 0.00002; ExAC 0.00002; gnomAD exomes 0.00002; TOPMed 0.00005; 1000 Genomes Project 30x 0.00016; 1000 Genomes Project 0.00020.
gnomAD v4.1: 12 of 1,614,160 alleles (0.00074%); highest among the groups gnomAD compares: African/African-American, 0.015%; no homozygotes.

Submissions (3):

Daryl Scott Lab, Baylor College of Medicine
Classification: Uncertain significance for Ataxia - intellectual disability - oculomotor apraxia - cerebellar cysts syndrome. Last evaluated: 2025-08-25. Review status: criteria provided, single submitter. Criteria: ACMG Guidelines, 2015. Collection method: clinical testing. Allele origin: maternal. Affected: yes. Observed: 1 heterozygote.
Comment: PM2, BP4

Blueprint Genetics
Classification: Uncertain significance. Last evaluated: 2023-10-04. Review status: criteria provided, single submitter. Criteria: ACMG Guidelines, 2015. Collection method: clinical testing. Allele origin: germline.

Baylor Genetics
Classification: Uncertain significance for Ataxia - intellectual disability - oculomotor apraxia - cerebellar cysts syndrome. Last evaluated: 2020-05-21. Review status: criteria provided, single submitter. Criteria: ACMG Guidelines, 2015. Collection method: clinical testing. Allele origin: unknown. Affected: yes.
Comment: This variant was determined to be of uncertain significance according to ACMG Guidelines, 2015 [PMID:25741868].

NM_005559.4(LAMA1):c.7124C>T (p.Thr2375Ile)

Gene: LAMA1 (laminin subunit alpha 1; minus strand). Cytogenetic location: 18p11.31.
Variant type: single nucleotide variant.
Coding change: c.7124C>T on transcript NM_005559.4 (MANE Select); coding-DNA position 7124, C replaced by T.
Protein change: p.Thr2375Ile; replaces threonine 2375 with isoleucine.
Molecular consequence: missense variant.
Genome position (GRCh38, 1-based): chr18:6,965,359, G>A on the plus strand (C>T on the coding strand, the complement: LAMA1 is on the minus strand). VCF-style: chr18-6965359-G-A. GRCh37 (hg19) VCF-style: chr18-6965358-G-A.
Other names: short protein forms T2375I.
Identifiers: ClinVar variation 1028393 (VCV001028393.3), dbSNP rs533138285, ClinGen allele CA8881008.
Genomic context (GRCh38, chr18:6,965,359, plus strand): 5'-TTTCGCTGGAAGGCAATTTTGTACCAGGTTCCATTGTTATAACGTCTGTCTGTCAAAAGG[G>A]TAATGGGTCCTGAACCCAGGTCAGTCATAACCTTCACTCTGCCACGAAACAGCTCGATGG-3'
Protein context (NP_005550.2, residues 2365-2385): VMTDLGSGPI[Thr2375Ile]LLTDRRYNNG